The following is an entry in ClinVar:

NM_004646.4(NPHS1):c.1822G>A (p.Val608Ile)

Gene: NPHS1 (NPHS1 adhesion molecule, nephrin; minus strand). Cytogenetic location: 19q13.12.
Variant type: single nucleotide variant.
Coding change: c.1822G>A on transcript NM_004646.4 (MANE Select); coding-DNA position 1822, G replaced by A.
Protein change: p.Val608Ile; replaces valine 608 with isoleucine.
Molecular consequence: missense variant.
Genome position (GRCh38, 1-based): chr19:35,845,476, C>T on the plus strand (G>A on the coding strand, the complement: NPHS1 is on the minus strand). VCF-style: chr19-35845476-C-T. GRCh37 (hg19) VCF-style: chr19-36336378-C-T.
Other names: short protein forms V608I.
Identifiers: ClinVar variation 555894 (VCV000555894.26), dbSNP rs367976914, ClinGen allele CA9390314.
Genomic context (GRCh38, chr19:35,845,476, plus strand): 5'-CGCTGTGGGCGCGGCAGGTCACGCGCTGGCCATGATCGCGGGATGACACTTGCAGAAGGA[C>T]GCTCCTGGCGGCGGCGGAGCCTTTGAATGGGGCTCTCCGGGGTGGGGCGGCCACGCCCTC-3'
Protein context (NP_004637.1, residues 598-618): PFKGSAAARS[Val608Ile]LLQVSSRDHG

ClinVar aggregate classification (germline): Conflicting classifications of pathogenicity. Review status: criteria provided, conflicting classifications (1 of 4 stars). 9 submissions from 9 submitters: Uncertain significance (1); Benign (1); Likely benign (5). 2 of the submissions do not count toward it. Last evaluated 2026-08-01.

Conditions:
NPHS1-related disorder. Also called: NPHS1-related condition.
Congenital nephrotic syndrome. Also called: Familial nephrotic syndrome. Identifiers: MedGen C3501848, MeSH C535761, MONDO:0002350, HP:0008677.
Focal segmental glomerulosclerosis (FSGS). Also called: Glomerulosclerosis, focal; Focal sclerosis with hyalinosis. Identifiers: MedGen C0017668, MONDO:0100313, HP:0000097. Disease mechanism: loss of function.
Finnish congenital nephrotic syndrome (NPHS1). Also called: NEPHROTIC SYNDROME, TYPE 1. Identifiers: Orphanet 839, MedGen C0403399, MONDO:0009732, OMIM 256300.

Allele frequency attached by ClinVar (database versions not stated): gnomAD 0.00004 and 0.00019; TOPMed 0.00004; ESP Exome Variant Server 0.00023; gnomAD exomes 0.00029 and 0.00062; 1000 Genomes Project 30x 0.00031; 1000 Genomes Project 0.00040; ExAC 0.00078.
gnomAD v4.1: 455 of 1,613,992 alleles (0.028%); highest among the groups gnomAD compares: South Asian, 0.46%; 6 homozygotes.

Submissions (9):

CeGaT Center for Human Genetics Tuebingen
Classification: Likely benign. Last evaluated: 2026-08-01. Review status: criteria provided, single submitter. Criteria: CeGaT Center For Human Genetics Tuebingen Variant Classification Criteria Version 2. Collection method: clinical testing. Allele origin: germline. Affected: yes. Observed: 2 variant alleles.
Comment: NPHS1: BS2

PreventionGenetics, part of Exact Sciences
Classification: Likely benign for NPHS1-related condition. Last evaluated: 2026-06-07. Review status: criteria provided, single submitter. Criteria: ACMG Guidelines, 2015. Collection method: clinical testing. Allele origin: germline.
Comment: This variant is classified as likely benign based on ACMG/AMP sequence variant interpretation guidelines (Richards et al. 2015 PMID: 25741868, with internal and published modifications).

Labcorp Genetics (formerly Invitae), Labcorp
Classification: Benign. Last evaluated: 2026-02-04. Review status: criteria provided, single submitter. Criteria: Invitae Variant Classification Sherloc (09022015). Collection method: clinical testing. Allele origin: germline.

Blueprint Genetics
Classification: Likely benign. Last evaluated: 2024-10-17. Review status: criteria provided, single submitter. Criteria: ACMG Guidelines, 2015. Collection method: clinical testing. Allele origin: germline.

Athena Diagnostics
Classification: Likely benign. Last evaluated: 2020-09-23. Review status: criteria provided, single submitter. Criteria: Athena Diagnostics criteria. Collection method: clinical testing. Allele origin: unknown.

Genome Diagnostics Laboratory, The Hospital for Sick Children
Classification: Likely benign for Focal segmental glomerulosclerosis. Last evaluated: 2019-12-01. Review status: criteria provided, single submitter. Criteria: ACMG Guidelines, 2015. Collection method: clinical testing. Allele origin: germline.

Illumina Laboratory Services, Illumina
Classification: Uncertain significance for Congenital nephrotic syndrome. Last evaluated: 2017-04-28. Review status: criteria provided, single submitter. Criteria: ICSL Variant Classification Criteria 13 December 2019. Collection method: clinical testing. Allele origin: germline.
Comment: This variant was observed as part of a predisposition screen in an ostensibly healthy population. A literature search was performed for the gene, cDNA change, and amino acid change (where applicable). Publications were found based on this search. However, the evidence from the literature, in combination with allele frequency data from public databases where available, was not sufficient to rule this variant in or out of causing disease. Therefore, this variant is classified as a variant of unknown significance.

Natera, Inc.
Classification: Uncertain significance for Finnish congenital nephrotic syndrome. Last evaluated: 2020-01-07. Review status: no assertion criteria provided. Collection method: clinical testing. Allele origin: germline. Not counted in ClinVar's aggregate classification.

Counsyl
Classification: Uncertain significance for Finnish congenital nephrotic syndrome. Last evaluated: 2018-01-08. Review status: no assertion criteria provided. Collection method: clinical testing. Allele origin: unknown. Not counted in ClinVar's aggregate classification.

Literature cited by the submitters: PubMed 22565185 (cited by 3 submitters).